The following is an entry in ClinVar:

NM_001082538.3(TCTN1):c.1104+2T>C

Gene: TCTN1 (tectonic family member 1; plus strand). Cytogenetic location: 12q24.11.
Variant type: single nucleotide variant.
Coding change: c.1104+2T>C on transcript NM_001082538.3 (MANE Select); the canonical splice donor site of the intron after coding-DNA position 1104, T replaced by C.
Molecular consequence: splice donor variant.
Genome position (GRCh38, 1-based): chr12:110,641,151, T>C. VCF-style: chr12-110641151-T-C. GRCh37 (hg19) VCF-style: chr12-111078956-T-C.
Other names: c.936+2T>C (NM_001173975.3); c.924+2T>C (NM_001173976.2); c.570+2T>C (NM_001319681.2); c.1062+2T>C (NM_024549.6); c.1104+2T>C (NM_001082537.3, NM_001319680.2).
Identifiers: ClinVar variation 2416601 (VCV002416601.8), dbSNP rs1303964272, ClinGen allele CA386705109.

ClinVar aggregate classification (germline): Likely pathogenic (1 of 4 stars; one submission).

Conditions:
Joubert syndrome. Also called: CEREBELLOPARENCHYMAL DISORDER IV; JOUBERT-BOLTSHAUSER SYNDROME; Familial aplasia of the vermis. Identifiers: Orphanet 475, MedGen C5979921, MONDO:0018772.
Meckel-Gruber syndrome. Also called: DYSENCEPHALIA SPLANCHNOCYSTICA; GRUBER SYNDROME; Dysencephalia splachnocystica. Identifiers: Orphanet 564, MedGen C0265215, MONDO:0018921.

Allele frequency attached by ClinVar (database versions not stated): gnomAD exomes below 0.00001; gnomAD 0.00001.
gnomAD v4.1: 3 of 1,614,062 alleles (0.00019%); highest among the groups gnomAD compares: Admixed American, 0.005%; no homozygotes.

Submission:

Labcorp Genetics (formerly Invitae), Labcorp
Classification: Likely pathogenic for Joubert syndrome; Meckel-Gruber syndrome. Last evaluated: 2022-12-20. Review status: criteria provided, single submitter. Criteria: Invitae Variant Classification Sherloc (09022015). Collection method: clinical testing. Allele origin: germline.
Comment: In summary, the currently available evidence indicates that the variant is pathogenic, but additional data are needed to prove that conclusively. Therefore, this variant has been classified as Likely Pathogenic. Algorithms developed to predict the effect of sequence changes on RNA splicing suggest that this variant may disrupt the consensus splice site. This variant has not been reported in the literature in individuals affected with TCTN1-related conditions. This variant is present in population databases (no rsID available, gnomAD 0.003%). This sequence change affects a donor splice site in intron 9 of the TCTN1 gene. It is expected to disrupt RNA splicing. Variants that disrupt the donor or acceptor splice site typically lead to a loss of protein function (PMID: 16199547), and loss-of-function variants in TCTN1 are known to be pathogenic (PMID: 21725307, 22693042, 27894351).

Literature cited by the submitters: PubMed 16199547; PubMed 21725307; PubMed 22693042; PubMed 27894351.